The following is an entry in ClinVar:

ClinVar aggregate classification (germline): Uncertain significance (1 of 4 stars; one submission).

Conditions:
TMEM165-congenital disorder of glycosylation. Also called: TMEM165-CDG; Congenital disorder of glycosylation type 2k; CDG IIk. Identifiers: Orphanet 314667, MedGen C3553571, MONDO:0013870, OMIM 614727.

Allele frequency attached by ClinVar (database versions not stated): TOPMed below 0.00001; gnomAD 0.00001.
gnomAD v4.1: 16 of 1,613,826 alleles (0.00099%); highest among the groups gnomAD compares: East Asian, 0.0022%; no homozygotes.

Submission:

Labcorp Genetics (formerly Invitae), Labcorp
Classification: Uncertain significance for TMEM165-congenital disorder of glycosylation. Last evaluated: 2022-07-20. Review status: criteria provided, single submitter. Criteria: Invitae Variant Classification Sherloc (09022015). Collection method: clinical testing. Allele origin: germline.
Comment: This sequence change replaces alanine, which is neutral and non-polar, with threonine, which is neutral and polar, at codon 99 of the TMEM165 protein (p.Ala99Thr). This variant is present in population databases (no rsID available, gnomAD 0.03%). This variant has not been reported in the literature in individuals affected with TMEM165-related conditions. Algorithms developed to predict the effect of missense changes on protein structure and function are either unavailable or do not agree on the potential impact of this missense change (SIFT: "Tolerated"; PolyPhen-2: "Probably Damaging"; Align-GVGD: "Class C0"). In summary, the available evidence is currently insufficient to determine the role of this variant in disease. Therefore, it has been classified as a Variant of Uncertain Significance.

NM_018475.5(TMEM165):c.295G>A (p.Ala99Thr)

Gene: TMEM165 (transmembrane protein 165; plus strand). Cytogenetic location: 4q12.
Variant type: single nucleotide variant.
Coding change: c.295G>A on transcript NM_018475.5 (MANE Select); coding-DNA position 295, G replaced by A.
Protein change: p.Ala99Thr; replaces alanine 99 with threonine.
Molecular consequence: missense variant. On other transcripts: non-coding transcript variant (1).
Genome position (GRCh38, 1-based): chr4:55,411,701, G>A. VCF-style: chr4-55411701-G-A. GRCh37 (hg19) VCF-style: chr4-56277868-G-A.
Other names: short protein forms A99T.
Identifiers: ClinVar variation 2148642 (VCV002148642.4), dbSNP rs986717132, ClinGen allele CA96882299.